The following is an entry in ClinVar:

ClinVar aggregate classification (germline): Pathogenic/Likely pathogenic. Review status: criteria provided, multiple submitters, no conflicts (2 of 4 stars). 2 submissions from 2 submitters: Pathogenic (1); Likely pathogenic (1). Last evaluated 2024-02-01.

Conditions:
Hydrocephalus, nonsyndromic, autosomal recessive 2. Also called: Hydrocephalus, congenital, 2, with or without brain or eye anomalies. Identifiers: Orphanet 2185, MedGen C3554691, MONDO:0014085, OMIM 615219.

Allele frequency attached by ClinVar (database versions not stated): gnomAD exomes below 0.00001; ExAC 0.00001; TOPMed 0.00001.
gnomAD v4.1: 13 of 1,590,900 alleles (0.00082%); highest among the groups gnomAD compares: South Asian, 0.0023%; no homozygotes.

Submissions (2):

Neuberg Centre For Genomic Medicine, NCGM
Classification: Likely pathogenic for Hydrocephalus, nonsyndromic, autosomal recessive 2. Last evaluated: 2024-02-01. Review status: criteria provided, single submitter. Criteria: ACMG Guidelines, 2015. Collection method: clinical testing. Allele origin: germline. Inheritance: Autosomal recessive inheritance.
Comment: The above variant in MPDZ gene has not been reported previously as a pathogenic variant nor as a benign variant, to our knowledge. This sequence change creates a premature translational stop signal (p.Arg1602*) in the MPDZ gene. This variant is predicted to cause loss of normal protein function through protein truncation. Loss of function variants in MPDZ gene have been previously reported to be disease causing (Shaheen R, et al., 2017). However, additional functional studies will be required to prove the pathogenicity of this variant conclusively. For these reasons, this variant has been classified as Likely Pathogenic. In absence of another reportable variant in MPDZ gene, the molecular diagnosis is not confirmed.

Labcorp Genetics (formerly Invitae), Labcorp
Classification: Pathogenic. Last evaluated: 2022-11-08. Review status: criteria provided, single submitter. Criteria: Invitae Variant Classification Sherloc (09022015). Collection method: clinical testing. Allele origin: germline.
Comment: For these reasons, this variant has been classified as Pathogenic. ClinVar contains an entry for this variant (Variation ID: 1409768). This variant has not been reported in the literature in individuals affected with MPDZ-related conditions. The frequency data for this variant in the population databases is considered unreliable, as metrics indicate poor data quality at this position in the gnomAD database. This sequence change creates a premature translational stop signal (p.Arg1602*) in the MPDZ gene. It is expected to result in an absent or disrupted protein product. Loss-of-function variants in MPDZ are known to be pathogenic (PMID: 23240096, 28556411).

Literature cited by the submitters: PubMed 23240096 (cited by Labcorp Genetics (formerly Invitae), Labcorp); PubMed 28556411 (cited by Labcorp Genetics (formerly Invitae), Labcorp).

NM_001378778.1(MPDZ):c.4804C>T (p.Arg1602Ter)

Gene: MPDZ (multiple PDZ domain crumbs cell polarity complex component; minus strand). Cytogenetic location: 9p23.
Variant type: single nucleotide variant.
Coding change: c.4804C>T on transcript NM_001378778.1 (MANE Select); coding-DNA position 4804, C replaced by T.
Protein change: p.Arg1602Ter; replaces arginine 1602 with a stop codon.
Molecular consequence: nonsense.
Genome position (GRCh38, 1-based): chr9:13,125,219, G>A on the plus strand (C>T on the coding strand, the complement: MPDZ is on the minus strand). VCF-style: chr9-13125219-G-A. GRCh37 (hg19) VCF-style: chr9-13125218-G-A.
Other names: c.4705C>T, p.Arg1569Ter (NM_001261406.2, NM_001261407.2, NM_001375416.1 and 3 more transcripts); c.4804C>T, p.Arg1602Ter (NM_001330637.2, NM_003829.5); c.4903C>T, p.Arg1635Ter (NM_001375413.1); c.4594C>T, p.Arg1532Ter (NM_001375420.1, NM_001375421.1, NM_001375422.1 and 4 more transcripts); c.4396C>T, p.Arg1466Ter (NM_001375427.1); short protein forms R1569*, R1635*, R1466*, R1532*, R1602*.
Identifiers: ClinVar variation 1409768 (VCV001409768.7), dbSNP rs770258839, ClinGen allele CA4986579.
Genomic context (GRCh38, chr9:13,125,219, plus strand): 5'-TCTGCTGAGTTCAGGTGTTCCATATGTGCAGGACTCTCATGAGTCCAGAGGCCTTACTTC[G>A]GATGGACTCCGGTTCTGGGGAGCCAGACTGTGGGACCATCAGAGACTGGGAGCTGTTCTT-3'